The following is an entry in ClinVar:

ClinVar aggregate classification (germline): Uncertain significance (1 of 4 stars; one submission).

Conditions:
Cornelia de Lange syndrome 1 (CDLS1). Also called: TYPUS DEGENERATIVUS AMSTELODAMENSIS; Brachmann de Lange syndrome; NIPBL-Related Cornelia de Lange Syndrome. Identifiers: Orphanet 199, MedGen C4551851, MONDO:0007387, OMIM 122470.

Allele frequency attached by ClinVar (database versions not stated): gnomAD 0.00001; TOPMed 0.00003; gnomAD exomes 0.00004.
gnomAD v4.1: 57 of 1,612,106 alleles (0.0035%); highest among the groups gnomAD compares: Non-Finnish European, 0.0044%; no homozygotes.

Submission:

Labcorp Genetics (formerly Invitae), Labcorp
Classification: Uncertain significance for Cornelia de Lange syndrome 1. Last evaluated: 2025-05-11. Review status: criteria provided, single submitter. Criteria: Invitae Variant Classification Sherloc (09022015). Collection method: clinical testing. Allele origin: germline.
Comment: This sequence change replaces tyrosine, which is neutral and polar, with cysteine, which is neutral and slightly polar, at codon 1676 of the NIPBL protein (p.Tyr1676Cys). This variant is present in population databases (rs559139612, gnomAD 0.008%). This variant has not been reported in the literature in individuals affected with NIPBL-related conditions. ClinVar contains an entry for this variant (Variation ID: 2902559). Invitae Evidence Modeling of protein sequence and biophysical properties (such as structural, functional, and spatial information, amino acid conservation, physicochemical variation, residue mobility, and thermodynamic stability) has been performed for this missense variant. However, the output from this modeling did not meet the statistical confidence thresholds required to predict the impact of this variant on NIPBL protein function. In summary, the available evidence is currently insufficient to determine the role of this variant in disease. Therefore, it has been classified as a Variant of Uncertain Significance.

NM_133433.4(NIPBL):c.5027A>G (p.Tyr1676Cys)

Gene: NIPBL (NIPBL cohesin loading factor; plus strand). Cytogenetic location: 5p13.2.
Variant type: single nucleotide variant.
Coding change: c.5027A>G on transcript NM_133433.4 (MANE Select); coding-DNA position 5027, A replaced by G.
Protein change: p.Tyr1676Cys; replaces tyrosine 1676 with cysteine.
Molecular consequence: missense variant.
Genome position (GRCh38, 1-based): chr5:37,020,475, A>G. VCF-style: chr5-37020475-A-G. GRCh37 (hg19) VCF-style: chr5-37020577-A-G.
Other names: c.5027A>G, p.Tyr1676Cys (NM_015384.5); short protein forms Y1676C.
Identifiers: ClinVar variation 2902559 (VCV002902559.3), dbSNP rs559139612, ClinGen allele CA117027894.